The following is an entry in ClinVar:

NM_006009.4(TUBA1A):c.337G>A (p.Glu113Lys)

Gene: TUBA1A (tubulin alpha 1a; minus strand). Cytogenetic location: 12q13.12.
Variant type: single nucleotide variant.
Coding change: c.337G>A on transcript NM_006009.4 (MANE Select); coding-DNA position 337, G replaced by A.
Protein change: p.Glu113Lys; replaces glutamic acid 113 with lysine.
Molecular consequence: missense variant.
Genome position (GRCh38, 1-based): chr12:49,186,348, C>T on the plus strand (G>A on the coding strand, the complement: TUBA1A is on the minus strand). VCF-style: chr12-49186348-C-T. GRCh37 (hg19) VCF-style: chr12-49580131-C-T.
Other names: c.337G>A, p.Glu113Lys (NM_001270399.2); c.232G>A, p.Glu78Lys (NM_001270400.2); short protein forms E113K, E78K.
Identifiers: ClinVar variation 625503 (VCV000625503.2), dbSNP rs769889742, ClinGen allele CA384643173.

ClinVar aggregate classification (germline): Pathogenic (1 of 4 stars; one submission).

Conditions:
Tubulinopathy. Also called: Tubulinopathies. Identifiers: MedGen CN850169, MONDO:0100153.

Submission:

Institute of Human Genetics, FAU Erlangen, Friedrich-Alexander-Universität Erlangen-Nürnberg
Classification: Pathogenic for Tubulinopathies. Last evaluated: 2018-07-01. Review status: criteria provided, single submitter. Criteria: ACMG Guidelines, 2015. Collection method: literature only. Allele origin: de novo. Affected: yes. Observed: 1 variant allele.
Comment: The c.337G>A, p.(Glu113Lys) variant has been reported as a variant of de novo origin. This variant and associated phenotype was previously reported by Bahi-Buisson et al. Brain, 2014 PMID: 24860126. HPO-standardized clinical features were: no Abnormal corpus callosum morphology (-HP:0001273); Pachygyria (HP:0001302); Dysgenesis of the cerebellar vermis (HP:0002195); no Abnormal cerebellum morphology (-HP:0001317); Microcephaly (HP:0000252)

Literature cited by the submitters: PubMed 30744660; DOI 10.1101/427948.